The following is an entry in ClinVar:

ClinVar aggregate classification (germline): Benign (1 of 4 stars; one submission).

Conditions:
Thyroid hormone resistance, generalized, autosomal dominant (GRTHD). Also called: HYPERTHYROXINEMIA, FAMILIAL EUTHYROID, SECONDARY TO PITUITARY AND PERIPHERAL RESISTANCE TO THYROID HORMONES. Identifiers: MedGen C2937288, MONDO:0008569, OMIM 188570.

Allele frequency attached by ClinVar (database versions not stated): 1000 Genomes Project 0.00060; gnomAD 0.00099 and 0.00110; TOPMed 0.00110; 1000 Genomes Project 30x 0.00125.

Submission:

Illumina Laboratory Services, Illumina
Classification: Benign for Thyroid hormone resistance, generalized, autosomal dominant. Last evaluated: 2018-01-13. Review status: criteria provided, single submitter. Criteria: ICSL Variant Classification Criteria 13 December 2019. Collection method: clinical testing. Allele origin: germline.
Comment: This variant was observed in the ICSL laboratory as part of a predisposition screen in an ostensibly healthy population. It had not been previously curated by ICSL or reported in the Human Gene Mutation Database (HGMD: prior to June 1st, 2018), and was therefore a candidate for classification through an automated scoring system. Utilizing variant allele frequency, disease prevalence and penetrance estimates, and inheritance mode, an automated score was calculated to assess if this variant is too frequent to cause the disease. Based on the score and internal cut-off values, a variant classified as benign is not then subjected to further curation. The score for this variant resulted in a classification of benign for this disease.

NM_001354712.2(THRB):c.*4762G>A

Gene: THRB (thyroid hormone receptor beta; minus strand). Cytogenetic location: 3p24.2.
Variant type: single nucleotide variant.
Coding change: c.*4762G>A on transcript NM_001354712.2 (MANE Select); 4762 bases downstream of the stop codon, G replaced by A.
Molecular consequence: 3 prime UTR variant.
Genome position (GRCh38, 1-based): chr3:24,118,122, C>T on the plus strand (G>A on the coding strand, the complement: THRB is on the minus strand). VCF-style: chr3-24118122-C-T. GRCh37 (hg19) VCF-style: chr3-24159613-C-T.
Other names: c.*4762G>A (NM_000461.5, NM_001128176.3, NM_001128177.2 and 8 more transcripts).
Identifiers: ClinVar variation 344552 (VCV000344552.5), dbSNP rs567375785, ClinGen allele CA10617928.